The following is an entry in ClinVar:

NM_004990.4(MARS1):c.224G>A (p.Trp75Ter)

Gene: MARS1 (methionyl-tRNA synthetase 1; plus strand). Cytogenetic location: 12q13.3.
Variant type: single nucleotide variant.
Coding change: c.224G>A on transcript NM_004990.4 (MANE Select); coding-DNA position 224, G replaced by A.
Protein change: p.Trp75Ter; replaces tryptophan 75 with a stop codon.
Molecular consequence: nonsense.
Genome position (GRCh38, 1-based): chr12:57,489,290, G>A. VCF-style: chr12-57489290-G-A. GRCh37 (hg19) VCF-style: chr12-57883073-G-A.
Other names: NC_000012.11:g.57883073G>A; short protein forms W75*.
Identifiers: ClinVar variation 1799839 (VCV001799839.3), dbSNP rs2540255891, ClinGen allele CA385490720.

ClinVar aggregate classification (germline): Pathogenic (1 of 4 stars; one submission).

Allele frequency attached by ClinVar (database versions not stated): gnomAD exomes below 0.00001.
gnomAD v4.1: 5 of 1,613,828 alleles (0.00031%); highest among the groups gnomAD compares: Non-Finnish European, 0.00034%; no homozygotes.

Submissions (2):

Ambry Genetics
Classification: Pathogenic. Last evaluated: 2021-05-25. Review status: criteria provided, single submitter. Criteria: Ambry Variant Classification Scheme 2023. Collection method: clinical testing. Allele origin: germline.
Comment: The p.W75* pathogenic mutation (also known as c.224G>A), located in coding exon 3 of the MARS gene, results from a G to A substitution at nucleotide position 224. This changes the amino acid from a tryptophan to a stop codon within coding exon 3. This alteration is expected to result in loss of function by premature protein truncation or nonsense-mediated mRNA decay. Although biallelic loss of function alterations in MARS have been associated with interstitial lung and liver disease, haploinsufficiency for MARS has not been clearly established as a mechanism of disease for axonal Charcot-Marie-Tooth disease, type 2U (CMT2U). Based on the supporting evidence, this variant is expected to be causative of interstitial lung and liver disease when present along with a second pathogenic variant on the other allele; however, its clinical significance for CMT2U is unclear.

Dr. Peter K. Rogan Lab, Western University
No classification provided (evidence only). Condition: Germ cell tumor of testis. Review status: no classification provided. Collection method: in vitro. Allele origin: not applicable. Functional consequence: retained intron. Not counted in ClinVar's aggregate classification.